The following is an entry in ClinVar:

ClinVar aggregate classification (germline): Uncertain significance. Review status: criteria provided, multiple submitters, no conflicts (2 of 4 stars). 2 submissions from 2 submitters: Uncertain significance (2). Last evaluated 2026-03-09.

Conditions:
Hereditary cancer-predisposing syndrome. Also called: Neoplastic Syndromes, Hereditary; Tumor predisposition; Hereditary Cancer Syndrome; Hereditary neoplastic syndrome. Identifiers: Orphanet 140162, MedGen C0027672, MeSH D009386, MONDO:0015356.

Submissions (2):

Ambry Genetics
Classification: Uncertain significance for Hereditary cancer-predisposing syndrome. Last evaluated: 2026-03-09. Review status: criteria provided, single submitter. Criteria: Ambry Variant Classification Scheme 2023. Collection method: clinical testing. Allele origin: germline.
Comment: The p.S2113F variant (also known as c.6338C>T), located in coding exon 46 of the POLE gene, results from a C to T substitution at nucleotide position 6338. The serine at codon 2113 is replaced by phenylalanine, an amino acid with highly dissimilar properties. This amino acid position is conserved. In addition, the in silico prediction for this alteration is inconclusive. Based on the available evidence, the clinical significance of this variant remains unclear.

Labcorp Genetics (formerly Invitae), Labcorp
Classification: Uncertain significance. Last evaluated: 2024-08-05. Review status: criteria provided, single submitter. Criteria: Invitae Variant Classification Sherloc (09022015). Collection method: clinical testing. Allele origin: germline.
Comment: This sequence change replaces serine, which is neutral and polar, with phenylalanine, which is neutral and non-polar, at codon 2113 of the POLE protein (p.Ser2113Phe). This variant is not present in population databases (gnomAD no frequency). This variant has not been reported in the literature in individuals affected with POLE-related conditions. Advanced modeling of protein sequence and biophysical properties (such as structural, functional, and spatial information, amino acid conservation, physicochemical variation, residue mobility, and thermodynamic stability) performed at Invitae indicates that this missense variant is not expected to disrupt POLE protein function with a negative predictive value of 80%. In summary, the available evidence is currently insufficient to determine the role of this variant in disease. Therefore, it has been classified as a Variant of Uncertain Significance.

NM_006231.4(POLE):c.6338C>T (p.Ser2113Phe)

Gene: POLE (DNA polymerase epsilon, catalytic subunit; minus strand). Cytogenetic location: 12q24.33.
Variant type: single nucleotide variant.
Coding change: c.6338C>T on transcript NM_006231.4 (MANE Select); coding-DNA position 6338, C replaced by T.
Protein change: p.Ser2113Phe; replaces serine 2113 with phenylalanine.
Molecular consequence: missense variant.
Genome position (GRCh38, 1-based): chr12:132,626,310, G>A on the plus strand (C>T on the coding strand, the complement: POLE is on the minus strand). VCF-style: chr12-132626310-G-A. GRCh37 (hg19) VCF-style: chr12-133202896-G-A.
Other names: c.6338C>T (NM_006231.2); short protein forms S2113F.
Identifiers: ClinVar variation 2996101 (VCV002996101.4), dbSNP rs2541842735, ClinGen allele CA387367900.